The following is an entry in ClinVar:

NM_138477.4(CDAN1):c.156C>G (p.Phe52Leu)

Gene: CDAN1 (codanin 1; minus strand). Cytogenetic location: 15q15.2.
Variant type: single nucleotide variant.
Coding change: c.156C>G on transcript NM_138477.4 (MANE Select); coding-DNA position 156, C replaced by G.
Protein change: p.Phe52Leu; replaces phenylalanine 52 with leucine.
Molecular consequence: missense variant.
Genome position (GRCh38, 1-based): chr15:42,736,715, G>C on the plus strand (C>G on the coding strand, the complement: CDAN1 is on the minus strand). VCF-style: chr15-42736715-G-C. GRCh37 (hg19) VCF-style: chr15-43028913-G-C.
Other names: p.Phe52Leu; c.156C>G, p.Phe52Leu (LRG_1164t1); short protein forms F52L.
Identifiers: ClinVar variation 21746 (VCV000021746.17), dbSNP rs80338694, ClinGen allele CA342443.

ClinVar aggregate classification (germline): Pathogenic/Likely pathogenic. Review status: criteria provided, multiple submitters, no conflicts (2 of 4 stars). 10 submissions from 10 submitters: Pathogenic (2); Likely pathogenic (7). 1 of the submissions does not count toward it. Last evaluated 2026-01-18.

Conditions:
Anemia, congenital dyserythropoietic, type 1a (CDAN1A). Also called: DYSERYTHROPOIETIC ANEMIA, CONGENITAL, TYPE Ia; CDAN1-Related Congenital Dyserythropoietic Anemia. Identifiers: MedGen C5574667, MONDO:0009135, OMIM 224120.
CDAN1-related disorder. Also called: CDAN1-related condition.
Congenital dyserythropoietic anemia, type I. Also called: Dyserythropoietic anemia, congenital type 1. Identifiers: Orphanet 98869, MedGen C0271933, MONDO:0020337. Disease mechanism: loss of function.

Allele frequency attached by ClinVar (database versions not stated): gnomAD 0.00007 and 0.00009; gnomAD exomes 0.00032 and 0.00009; TOPMed 0.00012.
gnomAD v4.1: 458 of 1,560,680 alleles (0.029%); highest among the groups gnomAD compares: Non-Finnish European, 0.038%; no homozygotes.

Submissions (10):

Labcorp Genetics (formerly Invitae), Labcorp
Classification: Pathogenic. Last evaluated: 2026-01-18. Review status: criteria provided, single submitter. Criteria: Invitae Variant Classification Sherloc (09022015). Collection method: clinical testing. Allele origin: germline.
Comment: This sequence change replaces phenylalanine, which is neutral and non-polar, with leucine, which is neutral and non-polar, at codon 52 of the CDAN1 protein (p.Phe52Leu). This variant is present in population databases (rs80338694, gnomAD 0.02%). This missense change has been observed in individual(s) with autosomal recessive dyserythropoietic anemia (PMID: 27432187; internal data). In at least one individual the data is consistent with being in trans (on the opposite chromosome) from a pathogenic variant. ClinVar contains an entry for this variant (Variation ID: 21746). An algorithm developed to predict the effect of missense changes on protein structure and function (PolyPhen-2) suggests that this variant is likely to be tolerated. For these reasons, this variant has been classified as Pathogenic.

Revvity Omics, Revvity
Classification: Likely pathogenic for Anemia, congenital dyserythropoietic, type 1a. Last evaluated: 2024-07-28. Review status: criteria provided, single submitter. Criteria: ACMG Guidelines, 2015. Collection method: clinical testing. Allele origin: germline.

Women's Health and Genetics/Laboratory Corporation of America, LabCorp
Classification: Likely pathogenic for Congenital dyserythropoietic anemia, type I. Last evaluated: 2024-07-24. Review status: criteria provided, single submitter. Criteria: LabCorp Variant Classification Summary - May 2015. Collection method: clinical testing. Allele origin: germline.
Comment: Variant summary: CDAN1 c.156C>G (p.Phe52Leu) results in a non-conservative amino acid change in the encoded protein sequence. Five of five in-silico tools predict a damaging effect of the variant on protein function. The variant allele was found at a frequency of 9.4e-05 in 169766 control chromosomes (gnomAD). This frequency is not significantly higher than estimated for a pathogenic variant in CDAN1 causing Congenital dyserythropoietic anemia, type I, allowing no conclusion about variant significance. c.156C>G has been reported in the literature in individuals affected with Congenital dyserythropoietic anemia, type I (Tamary_2005, Roy_2016, Maron_2023). These data indicate that the variant is likely to be associated with disease. To our knowledge, no experimental evidence demonstrating an impact on protein function has been reported. The following publication have been ascertained in the context of this evaluation (PMID: 37432431, 33401150, 27432187, 16098079). ClinVar contains an entry for this variant (Variation ID: 21746). Based on the evidence outlined above, the variant was classified as likely pathogenic.

Mayo Clinic Laboratories, Mayo Clinic
Classification: Likely pathogenic. Last evaluated: 2023-02-20. Review status: criteria provided, single submitter. Criteria: ACMG Guidelines, 2015. Collection method: clinical testing. Allele origin: germline. Observed: 1 variant allele.
Comment: PP4, PP5, PM1, PM2, PM3

Genetics and Molecular Pathology, SA Pathology
Classification: Likely pathogenic for Anemia, congenital dyserythropoietic, type 1a. Last evaluated: 2022-06-06. Review status: criteria provided, single submitter. Criteria: ACMG Guidelines, 2015. Collection method: clinical testing. Allele origin: germline. Inheritance: Autosomal recessive inheritance. Affected: yes.

Athena Diagnostics
Classification: Likely pathogenic. Last evaluated: 2021-11-30. Review status: criteria provided, single submitter. Criteria: Athena Diagnostics Criteria. Collection method: clinical testing. Allele origin: unknown.
Comment: This variant segregates with disease in at least one family (PMID: 33401150, 16098079, 27432187). The frequency of this variant in the general population is consistent with pathogenicity. Computational tools yielded predictions that this amino acid change may be damaging to the protein. This observation is not an independent occurrence and has been identified in the same individual by RCIGM, the other laboratory participating in the GEMINI study.

Blueprint Genetics
Classification: Pathogenic for CDAN1-related disorders. Last evaluated: 2021-09-21. Review status: criteria provided, single submitter. Criteria: ACMG Guidelines, 2015. Collection method: clinical testing. Allele origin: germline. Affected: yes. Observed: 4 variant alleles.

CENTOGENE GmbH and LLC - Guiding Precision Medicine
Classification: Likely pathogenic for Anemia, congenital dyserythropoietic, type 1a. Last evaluated: 2019-05-21. Review status: criteria provided, single submitter. Criteria: ACMG Guidelines, 2015. Collection method: clinical testing. Allele origin: germline. Affected: yes.

GeneDx
Classification: Likely pathogenic. Last evaluated: 2017-07-25. Review status: criteria provided, single submitter. Criteria: GeneDx Variant Classification (06012015). Collection method: clinical testing. Allele origin: germline. Affected: yes.
Comment: The F52L variant in the CDAN1 gene has been reported previously in association with congenital dyserythropoietic anemia in affected individuals who were heterozygous for the F52L variant and another CDAN1 variant; however, parental testing information was not provided to determine if the variants were in trans (Tamary et al., 2005; Roy et al., 2016). The F52L variant was not observed in approximately 5,500 individuals of European and African American ancestry in the NHLBI Exome Sequencing Project, though the average read depth at this position was low (5X). The F52L variant is a conservative amino acid substitution, which is not likely to impact secondary protein structure as these residues share similar properties. However, this substitution occurs at a position that is conserved across species, and in silico analysis predicts this variant is probably damaging to the protein structure/function. The F52L variant is a strong candidate for a pathogenic variant, however the possibility it may be a rare benign variant cannot be excluded.

PreventionGenetics, part of Exact Sciences
Classification: Pathogenic for CDAN1-related condition. Last evaluated: 2024-09-06. Review status: no assertion criteria provided. Collection method: clinical testing. Allele origin: germline. Not counted in ClinVar's aggregate classification.
Comment: The CDAN1 c.156C>G variant is predicted to result in the amino acid substitution p.Phe52Leu. This variant has been reported to be causative for congenital dyserythropoietic anemia type I (Tamary et al. 2005. PubMed ID: 16098079; Roy et al. 2016. PubMed ID: 27432187; Niss et al. 2020. PubMed ID: 33401150). This variant is reported in 0.018% of alleles in individuals of European (Non-Finnish) descent in gnomAD. This variant is interpreted as pathogenic.

Literature cited by the submitters: PubMed 27432187 (cited by Labcorp Genetics (formerly Invitae), Labcorp and Women's Health and Genetics/Laboratory Corporation of America, LabCorp); PubMed 33401150 (cited by Women's Health and Genetics/Laboratory Corporation of America, LabCorp); PubMed 37432431 (cited by Women's Health and Genetics/Laboratory Corporation of America, LabCorp); PubMed 16098079 (cited by Women's Health and Genetics/Laboratory Corporation of America, LabCorp).